The following is an entry in ClinVar:

ClinVar aggregate classification (germline): Uncertain significance (1 of 4 stars; one submission).

Allele frequency attached by ClinVar (database versions not stated): ExAC 0.00001; gnomAD 0.00001; TOPMed 0.00001; ESP Exome Variant Server 0.00008.
gnomAD v4.1: 26 of 1,613,650 alleles (0.0016%); highest among the groups gnomAD compares: East Asian, 0.031%; no homozygotes.

Submission:

Labcorp Genetics (formerly Invitae), Labcorp
Classification: Uncertain significance. Last evaluated: 2022-04-24. Review status: criteria provided, single submitter. Criteria: Invitae Variant Classification Sherloc (09022015). Collection method: clinical testing. Allele origin: germline.
Comment: In summary, the available evidence is currently insufficient to determine the role of this variant in disease. Therefore, it has been classified as a Variant of Uncertain Significance. Algorithms developed to predict the effect of missense changes on protein structure and function output the following: SIFT: "Deleterious"; PolyPhen-2: "Probably Damaging"; Align-GVGD: "Class C65". The tryptophan amino acid residue is found in multiple mammalian species, which suggests that this missense change does not adversely affect protein function. This variant has not been reported in the literature in individuals affected with CELSR2-related conditions. This variant is present in population databases (rs372637628, gnomAD 0.003%). This sequence change replaces arginine, which is basic and polar, with tryptophan, which is neutral and slightly polar, at codon 473 of the CELSR2 protein (p.Arg473Trp).

NM_001408.3(CELSR2):c.1417C>T (p.Arg473Trp)

Gene: CELSR2 (cadherin EGF LAG seven-pass G-type receptor 2; plus strand). Cytogenetic location: 1p13.3.
Variant type: single nucleotide variant.
Coding change: c.1417C>T on transcript NM_001408.3 (MANE Select); coding-DNA position 1417, C replaced by T.
Protein change: p.Arg473Trp; replaces arginine 473 with tryptophan.
Molecular consequence: missense variant.
Genome position (GRCh38, 1-based): chr1:109,251,496, C>T. VCF-style: chr1-109251496-C-T. GRCh37 (hg19) VCF-style: chr1-109794118-C-T.
Other names: short protein forms R473W.
Identifiers: ClinVar variation 1911764 (VCV001911764.5), dbSNP rs372637628, ClinGen allele CA986562.